The following is an entry in ClinVar:

NM_182961.4(SYNE1):c.17774A>G (p.Tyr5925Cys)

Gene: SYNE1 (spectrin repeat containing nuclear envelope protein 1; minus strand). Cytogenetic location: 6q25.2.
Variant type: single nucleotide variant.
Coding change: c.17774A>G on transcript NM_182961.4 (MANE Select); coding-DNA position 17774, A replaced by G.
Protein change: p.Tyr5925Cys; replaces tyrosine 5925 with cysteine.
Molecular consequence: missense variant.
Genome position (GRCh38, 1-based): chr6:152,294,036, T>C on the plus strand (A>G on the coding strand, the complement: SYNE1 is on the minus strand). VCF-style: chr6-152294036-T-C. GRCh37 (hg19) VCF-style: chr6-152615171-T-C.
Other names: c.17561A>G, p.Tyr5854Cys (NM_033071.5); short protein forms Y5925C, Y5854C.
Identifiers: ClinVar variation 905187 (VCV000905187.4), dbSNP rs759380758, ClinGen allele CA4055131.
Genomic context (GRCh38, chr6:152,294,036, plus strand): 5'-TCCCAAGAACGCTGCAAATCACCCAGTTTGGCAGTAGCGGATGGCTCCAATCCCGGTTCA[T>C]AGAACTCCTGGGATGCGGATGTGCTGGGGTGAATTTTTGCAGCATCTGTCTGCAACCTCT-3'
Protein context (NP_892006.3, residues 5915-5935): HPSTSASQEF[Tyr5925Cys]EPGLEPSATA

ClinVar aggregate classification (germline): Conflicting classifications of pathogenicity. Review status: criteria provided, conflicting classifications (1 of 4 stars). 2 submissions from 1 submitter: Uncertain significance (1); Likely benign (1). Last evaluated 2018-01-13.

Conditions:
Emery-Dreifuss muscular dystrophy 4, autosomal dominant (EDMD4). Also called: EMERY-DREIFUSS MUSCULAR DYSTROPHY 4 WITH VARIABLE FEATURES. Identifiers: Orphanet 261, MedGen C2751807, MONDO:0013071, OMIM 612998.
Autosomal recessive ataxia, Beauce type. Also called: ATAXIA, RECESSIVE, OF BEAUCE; SYNE1 Deficiency; SYNE1-Related Autosomal Recessive Cerebellar Ataxia; Spinocerebellar ataxia, autosomal recessive 8. Identifiers: Orphanet 88644, MedGen C1853116, MONDO:0012549, OMIM 610743.

Allele frequency attached by ClinVar (database versions not stated): gnomAD exomes 0.00001 and 0.00003; ExAC 0.00007.
gnomAD v4.1: 19 of 1,614,130 alleles (0.0012%); highest among the groups gnomAD compares: Non-Finnish European, 0.0012%; no homozygotes.

Submissions (2):

Illumina Laboratory Services, Illumina
Classification: Likely benign for Emery-Dreifuss muscular dystrophy 4, autosomal dominant. Last evaluated: 2018-01-13. Review status: criteria provided, single submitter. Criteria: ICSL Variant Classification Criteria 13 December 2019. Collection method: clinical testing. Allele origin: germline.
Comment: This variant was observed in the ICSL laboratory as part of a predisposition screen in an ostensibly healthy population. It had not been previously curated by ICSL or reported in the Human Gene Mutation Database (HGMD: prior to June 1st, 2018), and was therefore a candidate for classification through an automated scoring system. Utilizing variant allele frequency, disease prevalence and penetrance estimates, and inheritance mode, an automated score was calculated to assess if this variant is too frequent to cause the disease. Based on the score and internal cut-off values, a variant classified as likely benign is not then subjected to further curation. The score for this variant resulted in a classification of likely benign for this disease.

Illumina Laboratory Services, Illumina
Classification: Uncertain significance for Autosomal recessive ataxia, Beauce type. Last evaluated: 2018-01-13. Review status: criteria provided, single submitter. Criteria: ICSL Variant Classification Criteria 13 December 2019. Collection method: clinical testing. Allele origin: germline.